The following is an entry in ClinVar:

ClinVar aggregate classification (germline): Uncertain significance (1 of 4 stars; one submission).

Conditions:
Inborn genetic diseases. Identifiers: MedGen C0950123, MeSH D030342.

Submission:

Ambry Genetics
Classification: Uncertain significance for Inborn genetic diseases. Last evaluated: 2025-03-03. Review status: criteria provided, single submitter. Criteria: Ambry Variant Classification Scheme 2023. Collection method: clinical testing. Allele origin: germline.
Comment: The p.C328Y variant (also known as c.983G>A), located in coding exon 1 of the SAMD9L gene, results from a G to A substitution at nucleotide position 983. The cysteine at codon 328 is replaced by tyrosine, an amino acid with highly dissimilar properties. This amino acid position is conserved. In addition, this alteration is predicted to be tolerated by in silico analysis. Based on the available evidence, the clinical significance of this variant remains unclear.

NM_152703.5(SAMD9L):c.983G>A (p.Cys328Tyr)

Gene: SAMD9L (sterile alpha motif domain containing 9 like; minus strand). Cytogenetic location: 7q21.2.
Variant type: single nucleotide variant.
Coding change: c.983G>A on transcript NM_152703.5 (MANE Select); coding-DNA position 983, G replaced by A.
Protein change: p.Cys328Tyr; replaces cysteine 328 with tyrosine.
Molecular consequence: missense variant.
Genome position (GRCh38, 1-based): chr7:93,134,989, C>T on the plus strand (G>A on the coding strand, the complement: SAMD9L is on the minus strand). VCF-style: chr7-93134989-C-T. GRCh37 (hg19) VCF-style: chr7-92764302-C-T.
Other names: c.983G>A, p.Cys328Tyr (NM_001303496.3, NM_001303497.3, NM_001303498.3 and 5 more transcripts); short protein forms C328Y.
Identifiers: ClinVar variation 3792484 (VCV003792484.1).
Genomic context (GRCh38, chr7:93,134,989, plus strand): 5'-CTAGCCCCTTCTCTTACAAACAGTGAAAGATTTTGGTTTTGTTTCCATATTTTATCTTTA[C>T]AAATTTGCATCTGAATGTAGAAATACTTATCATTACATATAGAGTGTTTTGGAATAGTAT-3'
Protein context (NP_689916.2, residues 318-338): DKYFYIQMQI[Cys328Tyr]KDKIWKQNQN